The following is an entry in ClinVar:

NM_004408.4(DNM1):c.368G>A (p.Arg123His)

Genes: DNM1 (dynamin 1; plus strand), LOC113839516 (Sharpr-MPRA regulatory region 8497; plus strand). Cytogenetic location: 9q34.11.
Variant type: single nucleotide variant.
Coding change: c.368G>A on transcript NM_004408.4 (MANE Select); coding-DNA position 368, G replaced by A.
Protein change: p.Arg123His; replaces arginine 123 with histidine.
Molecular consequence: missense variant.
Genome position (GRCh38, 1-based): chr9:128,218,714, G>A. VCF-style: chr9-128218714-G-A. GRCh37 (hg19) VCF-style: chr9-130980993-G-A.
Other names: c.368G>A, p.Arg123His (NM_001005336.3, NM_001288737.2, NM_001288738.2 and 2 more transcripts); short protein forms R123H.
Identifiers: ClinVar variation 3652315 (VCV003652315.2).

ClinVar aggregate classification (germline): Uncertain significance (1 of 4 stars; one submission).

Conditions:
Developmental and epileptic encephalopathy, 31A. Also called: Epileptic encephalopathy, early infantile, 31; Developmental and epileptic encephalopathy, 31. Identifiers: Orphanet 2382, MedGen C4225357, MONDO:0014598, OMIM 616346.

Submission:

Labcorp Genetics (formerly Invitae), Labcorp
Classification: Uncertain significance for Developmental and epileptic encephalopathy, 31A. Last evaluated: 2024-05-06. Review status: criteria provided, single submitter. Criteria: Invitae Variant Classification Sherloc (09022015). Collection method: clinical testing. Allele origin: germline.
Comment: This sequence change replaces arginine, which is basic and polar, with histidine, which is basic and polar, at codon 123 of the DNM1 protein (p.Arg123His). This variant is not present in population databases (gnomAD no frequency). This variant has not been reported in the literature in individuals affected with DNM1-related conditions. Advanced modeling of protein sequence and biophysical properties (such as structural, functional, and spatial information, amino acid conservation, physicochemical variation, residue mobility, and thermodynamic stability) performed at Invitae indicates that this missense variant is expected to disrupt DNM1 protein function with a positive predictive value of 80%. In summary, the available evidence is currently insufficient to determine the role of this variant in disease. Therefore, it has been classified as a Variant of Uncertain Significance.